The following is an entry in ClinVar:

NM_001379081.2(FREM1):c.5594A>T (p.Lys1865Met)

Gene: FREM1 (FRAS1 related extracellular matrix 1; minus strand). Cytogenetic location: 9p22.3.
Variant type: single nucleotide variant.
Coding change: c.5594A>T on transcript NM_001379081.2 (MANE Select); coding-DNA position 5594, A replaced by T.
Protein change: p.Lys1865Met; replaces lysine 1865 with methionine.
Molecular consequence: missense variant. On other transcripts: non-coding transcript variant (3).
Genome position (GRCh38, 1-based): chr9:14,748,603, T>A on the plus strand (A>T on the coding strand, the complement: FREM1 is on the minus strand). VCF-style: chr9-14748603-T-A. GRCh37 (hg19) VCF-style: chr9-14748601-T-A.
Other names: c.5594A>T (NM_144966.5); c.1202A>T, p.Lys401Met (NM_001177704.3, NM_001370061.2); c.1052A>T, p.Lys351Met (NM_001370058.2); c.5594A>T, p.Lys1865Met (NM_144966.7); short protein forms K351M, K1865M, K401M.
Identifiers: ClinVar variation 2069330 (VCV002069330.5), dbSNP rs777922925, ClinGen allele CA4989705.

ClinVar aggregate classification (germline): Uncertain significance. Review status: criteria provided, multiple submitters, no conflicts (2 of 4 stars). 4 submissions from 4 submitters: Uncertain significance (4). Last evaluated 2025-03-26.

Conditions:
Inborn genetic diseases. Identifiers: MedGen C0950123, MeSH D030342.
BNAR syndrome. Also called: Bifid Nose With or Without Anorectal and Renal Anomalies (BNAR) Syndrome. Identifiers: Orphanet 217266, MedGen C2750433, MONDO:0012165, OMIM 608980.
Oculotrichoanal syndrome (MOTA). Also called: MARLES SYNDROME; Manitoba Oculotrichoanal (MOTA) Syndrome. Identifiers: Orphanet 2717, MedGen C1855425, MONDO:0009560, OMIM 248450.
Trigonocephaly 2 (TRIGNO2). Identifiers: Orphanet 3366, MedGen C3280974, MONDO:0013774, OMIM 614485.

Allele frequency attached by ClinVar (database versions not stated): TOPMed 0.00005; ExAC 0.00007; gnomAD 0.00002; gnomAD exomes 0.00008.
gnomAD v4.1: 50 of 1,613,554 alleles (0.0031%); highest among the groups gnomAD compares: Admixed American, 0.082%; 1 homozygote.

Submissions (4):

Ambry Genetics
Classification: Uncertain significance for Inborn genetic diseases. Last evaluated: 2025-03-26. Review status: criteria provided, single submitter. Criteria: Ambry Variant Classification Scheme 2023. Collection method: clinical testing. Allele origin: germline.

Fulgent Genetics
Classification: Uncertain significance for Oculotrichoanal syndrome; BNAR syndrome; Trigonocephaly 2. Last evaluated: 2024-04-24. Review status: criteria provided, single submitter. Criteria: ACMG Guidelines, 2015. Collection method: clinical testing. Allele origin: germline.

GeneDx
Classification: Uncertain significance. Last evaluated: 2022-11-03. Review status: criteria provided, single submitter. Criteria: GeneDx Variant Classification Process June 2021. Collection method: clinical testing. Allele origin: germline. Affected: yes.
Comment: In silico analysis supports that this missense variant does not alter protein structure/function; Has not been previously published as pathogenic or benign to our knowledge

Labcorp Genetics (formerly Invitae), Labcorp
Classification: Uncertain significance. Last evaluated: 2022-09-27. Review status: criteria provided, single submitter. Criteria: Invitae Variant Classification Sherloc (09022015). Collection method: clinical testing. Allele origin: germline.
Comment: In summary, the available evidence is currently insufficient to determine the role of this variant in disease. Therefore, it has been classified as a Variant of Uncertain Significance. Algorithms developed to predict the effect of missense changes on protein structure and function output the following: SIFT: "Tolerated"; PolyPhen-2: "Benign"; Align-GVGD: "Class C0". The methionine amino acid residue is found in multiple mammalian species, which suggests that this missense change does not adversely affect protein function. This variant has not been reported in the literature in individuals affected with FREM1-related conditions. This variant is present in population databases (rs777922925, gnomAD 0.1%). This sequence change replaces lysine, which is basic and polar, with methionine, which is neutral and non-polar, at codon 1865 of the FREM1 protein (p.Lys1865Met).